The following is an entry in ClinVar:

ClinVar aggregate classification (germline): Pathogenic. Review status: criteria provided, multiple submitters, no conflicts (2 of 4 stars). 2 submissions from 2 submitters: Pathogenic (2). Last evaluated 2021-12-23.

Conditions:
Long QT syndrome (LQTS). Identifiers: MedGen C0023976, MeSH D008133, MONDO:0002442. Disease mechanism: loss of function. Inheritance: Various modes of inheritance.
Cardiovascular phenotype. Identifiers: MedGen CN230736.

Submissions (2):

Labcorp Genetics (formerly Invitae), Labcorp
Classification: Pathogenic for Long QT syndrome. Last evaluated: 2021-12-23. Review status: criteria provided, single submitter. Criteria: Invitae Variant Classification Sherloc (09022015). Collection method: clinical testing. Allele origin: germline.
Comment: This variant is not present in population databases (gnomAD no frequency). This sequence change creates a premature translational stop signal (p.Arg912Glyfs*6) in the KCNH2 gene. It is expected to result in an absent or disrupted protein product. Loss-of-function variants in KCNH2 are known to be pathogenic (PMID: 10973849, 19862833). This variant has not been reported in the literature in individuals affected with KCNH2-related conditions. For these reasons, this variant has been classified as Pathogenic. ClinVar contains an entry for this variant (Variation ID: 526939).

Ambry Genetics
Classification: Pathogenic for Cardiovascular phenotype. Last evaluated: 2019-05-24. Review status: criteria provided, single submitter. Criteria: Ambry Variant Classification Scheme 2023. Collection method: clinical testing. Allele origin: germline.
Comment: The c.2734_2738delCGGGC pathogenic mutation, located in coding exon 12 of the KCNH2 gene, results from a deletion of 5 nucleotides at nucleotide positions 2734 to 2738, causing a translational frameshift with a predicted alternate stop codon (p.R912Gfs*6). This alteration is expected to result in loss of function by premature protein truncation or nonsense-mediated mRNA decay. As such, this alteration is interpreted as a disease-causing mutation.

Literature cited by the submitters: PubMed 10973849 (cited by Labcorp Genetics (formerly Invitae), Labcorp); PubMed 19862833 (cited by Labcorp Genetics (formerly Invitae), Labcorp).

NM_000238.4(KCNH2):c.2734_2738del (p.Arg912fs)

Gene: KCNH2 (potassium voltage-gated channel subfamily H member 2; minus strand). Cytogenetic location: 7q36.1.
Variant type: Microsatellite.
Coding change: c.2734_2738del on transcript NM_000238.4 (MANE Select); coding-DNA positions 2734 to 2738, 5 bases deleted (CGGGC; older notation c.2734_2738delCGGGC).
Protein change: p.Arg912fs; shifts the reading frame from arginine 912.
Molecular consequence: frameshift variant.
Genome position (GRCh38, 1-based): chr7:150,947,833-150,947,837, GCCCG deleted on the plus strand (CGGGC on the coding strand, the reverse complement: KCNH2 is on the minus strand); deleting any 5 consecutive bases within chr7:150,947,833-150,947,846 gives the same sequence; the c. name uses the placement nearest the transcript's 3' end. VCF-style (leftmost placement, unchanged base first): chr7-150947832-CGCCCG-C. GRCh37 (hg19) VCF-style: chr7-150644920-CGCCCG-C.
Other names: c.2734_2738delCGGGC (NM_000238.3); c.1714_1718del, p.Arg572fs (NM_172057.3); short protein forms R572fs, R912fs.
Identifiers: ClinVar variation 526939 (VCV000526939.10), dbSNP rs794728502, ClinGen allele CA658797034.